The following is an entry in ClinVar:

NM_033337.3(CAV3):c.417C>T (p.Val139=)

Genes: CAV3 (caveolin 3; plus strand), OXTR (oxytocin receptor; minus strand). Cytogenetic location: 3p25.3.
Variant type: single nucleotide variant.
Coding change: c.417C>T on transcript NM_033337.3 (MANE Select); coding-DNA position 417, C replaced by T.
Protein change: p.Val139=; no amino-acid change (valine 139 retained).
Molecular consequence: synonymous variant.
Genome position (GRCh38, 1-based): chr3:8,745,828, C>T. VCF-style: chr3-8745828-C-T. GRCh37 (hg19) VCF-style: chr3-8787514-C-T.
Other names: c.417C>T, p.Val139= (NM_001234.5).
Identifiers: ClinVar variation 35804 (VCV000035804.38), dbSNP rs147250678, ClinGen allele CA325683.

ClinVar aggregate classification (germline): Conflicting classifications of pathogenicity. Review status: criteria provided, conflicting classifications (1 of 4 stars). 13 submissions from 13 submitters: Uncertain significance (1); Benign (5); Likely benign (4). 3 of the submissions do not count toward it. Last evaluated 2026-09-01.

Conditions:
CAV3-related disorder. Also called: CAV3-related condition.
Cardiovascular phenotype. Identifiers: MedGen CN230736.
Cardiomyopathy (CMYO). Also called: Cardiomyopathies. Identifiers: Orphanet 167848, MedGen C0878544, MONDO:0004994, HP:0001638. Inheritance: Various modes of inheritance.
Long QT syndrome (LQTS). Identifiers: MedGen C0023976, MeSH D008133, MONDO:0002442. Disease mechanism: loss of function. Inheritance: Various modes of inheritance.
Caveolinopathy. Identifiers: Orphanet 207078, MedGen C5679790, MONDO:0016146.

Allele frequency attached by ClinVar (database versions not stated): ExAC 0.00031; TOPMed 0.00032; ESP Exome Variant Server 0.00054; gnomAD exomes 0.00035; gnomAD 0.00043.
gnomAD v4.1: 626 of 1,613,698 alleles (0.039%); highest among the groups gnomAD compares: Middle Eastern, 0.12%; 1 homozygote.

Submissions (13):

CeGaT Center for Human Genetics Tuebingen
Classification: Likely benign. Last evaluated: 2026-09-01. Review status: criteria provided, single submitter. Criteria: CeGaT Center For Human Genetics Tuebingen Variant Classification Criteria Version 2. Collection method: clinical testing. Allele origin: germline. Affected: yes. Observed: 1 variant allele.
Comment: CAV3: BP4, BP7

Labcorp Genetics (formerly Invitae), Labcorp
Classification: Likely benign for Long QT syndrome. Last evaluated: 2026-01-28. Review status: criteria provided, single submitter. Criteria: Invitae Variant Classification Sherloc (09022015). Collection method: clinical testing. Allele origin: germline.

Athena Diagnostics
Classification: Benign. Last evaluated: 2025-10-23. Review status: criteria provided, single submitter. Criteria: Athena Diagnostics Criteria. Collection method: clinical testing. Allele origin: unknown.
Comment: The frequency of this variant in the general population is higher than would generally be expected for pathogenic variants in this gene. Computational tools yielded predictions that this variant is unlikely to have an effect on normal RNA splicing. This nucleotide position exhibits low evolutionary conservation. This variant has been seen where an alternate explanation for disease was also identified.

Women's Health and Genetics/Laboratory Corporation of America, LabCorp
Classification: Benign. Last evaluated: 2024-12-06. Review status: criteria provided, single submitter. Criteria: LabCorp Variant Classification Summary - May 2015. Collection method: clinical testing. Allele origin: germline.

Blueprint Genetics
Classification: Likely benign. Last evaluated: 2024-11-22. Review status: criteria provided, single submitter. Criteria: ACMG Guidelines, 2015. Collection method: clinical testing. Allele origin: germline.

Eurofins Ntd Llc (ga)
Classification: Uncertain significance. Last evaluated: 2018-07-02. Review status: criteria provided, single submitter. Criteria: EGL ClinVar v180209 classification definitions. Collection method: clinical testing. Allele origin: germline. Observed: 7 variant alleles, 7 heterozygotes.

CHEO Genetics Diagnostic Laboratory, Children's Hospital of Eastern Ontario
Classification: Benign for Cardiomyopathy. Last evaluated: 2018-01-26. Review status: criteria provided, single submitter. Criteria: ACMG Guidelines, 2015. Collection method: clinical testing. Allele origin: germline.

Illumina Laboratory Services, Illumina
Classification: Benign for Caveolinopathy. Last evaluated: 2018-01-13. Review status: criteria provided, single submitter. Criteria: ICSL Variant Classification Criteria 13 December 2019. Collection method: clinical testing. Allele origin: germline.
Comment: This variant was observed in the ICSL laboratory as part of a predisposition screen in an ostensibly healthy population. It had not been previously curated by ICSL or reported in the Human Gene Mutation Database (HGMD: prior to June 1st, 2018), and was therefore a candidate for classification through an automated scoring system. Utilizing variant allele frequency, disease prevalence and penetrance estimates, and inheritance mode, an automated score was calculated to assess if this variant is too frequent to cause the disease. Based on the score and internal cut-off values, a variant classified as benign is not then subjected to further curation. The score for this variant resulted in a classification of benign for this disease.

Ambry Genetics
Classification: Likely benign for Cardiovascular phenotype. Last evaluated: 2016-06-28. Review status: criteria provided, single submitter. Criteria: Ambry Variant Classification Scheme 2023. Collection method: clinical testing. Allele origin: germline.

GeneDx
Classification: Benign. Last evaluated: 2015-03-03. Review status: criteria provided, single submitter. Criteria: GeneDx Variant Classification Process June 2021. Collection method: clinical testing. Allele origin: germline. Affected: yes.

PreventionGenetics, part of Exact Sciences
Classification: Benign for CAV3-related condition. Last evaluated: 2019-10-22. Review status: no assertion criteria provided. Collection method: clinical testing. Allele origin: germline. Not counted in ClinVar's aggregate classification.
Comment: This variant is classified as benign based on ACMG/AMP sequence variant interpretation guidelines (Richards et al. 2015 PMID: 25741868, with internal and published modifications).

Clinical Genetics, Academic Medical Center
Classification: Benign. Review status: no assertion criteria provided. Collection method: clinical testing. Allele origin: germline. Affected: yes. Study: VKGL Data-share Consensus. Not counted in ClinVar's aggregate classification.

Joint Genome Diagnostic Labs from Nijmegen and Maastricht, Radboudumc and MUMC+
Classification: Likely benign. Review status: no assertion criteria provided. Collection method: clinical testing. Allele origin: germline. Affected: yes. Study: VKGL Data-share Consensus. Not counted in ClinVar's aggregate classification.